The following is an entry in ClinVar:

NM_003072.5(SMARCA4):c.872A>T (p.Asn291Ile)

Gene: SMARCA4 (SWI/SNF related BAF chromatin remodeling complex subunit ATPase 4; plus strand). Cytogenetic location: 19p13.2.
Variant type: single nucleotide variant.
Coding change: c.872A>T on transcript NM_003072.5 (MANE Select); coding-DNA position 872, A replaced by T.
Protein change: p.Asn291Ile; replaces asparagine 291 with isoleucine.
Molecular consequence: missense variant. On other transcripts: non-coding transcript variant (1).
Genome position (GRCh38, 1-based): chr19:10,987,678, A>T. VCF-style: chr19-10987678-A-T. GRCh37 (hg19) VCF-style: chr19-11098354-A-T.
Other names: c.872A>T, p.Asn291Ile (NM_001128847.4, NM_001128848.2, NM_001128849.3 and 5 more transcripts); short protein forms N291I.
Identifiers: ClinVar variation 571287 (VCV000571287.19), dbSNP rs751791309, ClinGen allele CA9203617.

ClinVar aggregate classification (germline): Conflicting classifications of pathogenicity. Review status: criteria provided, conflicting classifications (1 of 4 stars). 4 submissions from 4 submitters: Uncertain significance (3); Likely benign (1). Last evaluated 2026-07-06.

Conditions:
Hereditary cancer-predisposing syndrome. Also called: Hereditary Cancer Syndrome; Hereditary neoplastic syndrome; Neoplastic Syndromes, Hereditary; Tumor predisposition. Identifiers: Orphanet 140162, MedGen C0027672, MeSH D009386, MONDO:0015356.
Intellectual disability, autosomal dominant 16 (CSS4). Also called: COFFIN-SIRIS SYNDROME 4. Identifiers: Orphanet 1465, MedGen C3553249, MONDO:0013821, OMIM 614609.
Rhabdoid tumor predisposition syndrome 2 (RTPS2). Identifiers: Orphanet 231108, Orphanet 69077, MedGen C2750074, MONDO:0013224, OMIM 613325.

Allele frequency attached by ClinVar (database versions not stated): ExAC 0.00001; gnomAD exomes 0.00001; gnomAD 0.00001.
gnomAD v4.1: 6 of 1,612,916 alleles (0.00037%); highest among the groups gnomAD compares: Non-Finnish European, 0.00051%; no homozygotes.

Submissions (4):

Myriad Genetics, Inc.
Classification: Likely benign for Rhabdoid tumor predisposition syndrome 2. Last evaluated: 2026-07-06. Review status: criteria provided, single submitter. Criteria: Myriad Autosomal Dominant, Autosomal Recessive and X-Linked Classification Criteria (2023). Collection method: clinical testing. Allele origin: unknown.
Comment: This variant is considered likely benign. This variant has been observed at a population frequency that is significantly greater than expected given the associated disease prevalence and penetrance.

Ambry Genetics
Classification: Uncertain significance for Hereditary cancer-predisposing syndrome. Last evaluated: 2025-12-05. Review status: criteria provided, single submitter. Criteria: Ambry Variant Classification Scheme 2023. Collection method: clinical testing. Allele origin: germline.
Comment: The p.N291I variant (also known as c.872A>T), located in coding exon 5 of the SMARCA4 gene, results from an A to T substitution at nucleotide position 872. The asparagine at codon 291 is replaced by isoleucine, an amino acid with dissimilar properties. This amino acid position is well conserved in available vertebrate species. In addition, the in silico prediction for this alteration is inconclusive. Based on the available evidence, the clinical significance of this variant remains unclear.

Labcorp Genetics (formerly Invitae), Labcorp
Classification: Uncertain significance for Rhabdoid tumor predisposition syndrome 2. Last evaluated: 2024-07-11. Review status: criteria provided, single submitter. Criteria: Invitae Variant Classification Sherloc (09022015). Collection method: clinical testing. Allele origin: germline.
Comment: This sequence change replaces asparagine, which is neutral and polar, with isoleucine, which is neutral and non-polar, at codon 291 of the SMARCA4 protein (p.Asn291Ile). This variant is present in population databases (rs751791309, gnomAD 0.003%). This variant has not been reported in the literature in individuals affected with SMARCA4-related conditions. ClinVar contains an entry for this variant (Variation ID: 571287). Advanced modeling of protein sequence and biophysical properties (such as structural, functional, and spatial information, amino acid conservation, physicochemical variation, residue mobility, and thermodynamic stability) has been performed at Invitae for this missense variant, however the output from this modeling did not meet the statistical confidence thresholds required to predict the impact of this variant on SMARCA4 protein function. In summary, the available evidence is currently insufficient to determine the role of this variant in disease. Therefore, it has been classified as a Variant of Uncertain Significance.

Genome-Nilou Lab
Classification: Uncertain significance for Intellectual disability, autosomal dominant 16. Last evaluated: 2021-07-15. Review status: criteria provided, single submitter. Criteria: ACMG Guidelines, 2015. Collection method: clinical testing. Allele origin: germline. Affected: no.